The following is an entry in ClinVar:

ClinVar aggregate classification (germline): Uncertain significance. Review status: criteria provided, multiple submitters, no conflicts (2 of 4 stars). 2 submissions from 2 submitters: Uncertain significance (2). Last evaluated 2025-08-24.

Conditions:
Inborn genetic diseases. Identifiers: MedGen C0950123, MeSH D030342.

Allele frequency attached by ClinVar (database versions not stated): gnomAD exomes 0.00001; ExAC 0.00002; TOPMed 0.00002.
gnomAD v4.1: 18 of 1,598,432 alleles (0.0011%); highest among the groups gnomAD compares: Middle Eastern, 0.033%; no homozygotes.

Submissions (2):

Ambry Genetics
Classification: Uncertain significance for Inborn genetic diseases. Last evaluated: 2025-08-24. Review status: criteria provided, single submitter. Criteria: Ambry Variant Classification Scheme 2023. Collection method: clinical testing. Allele origin: germline.

CeGaT Center for Human Genetics Tuebingen
Classification: Uncertain significance. Last evaluated: 2023-02-01. Review status: criteria provided, single submitter. Criteria: CeGaT Center For Human Genetics Tuebingen Variant Classification Criteria Version 2. Collection method: clinical testing. Allele origin: germline. Affected: yes. Observed: 1 variant allele.
Comment: KCNN2: PP3

NM_021614.4(KCNN2):c.743C>T (p.Pro248Leu)

Gene: KCNN2 (potassium calcium-activated channel subfamily N member 2; plus strand). Cytogenetic location: 5q22.3.
Variant type: single nucleotide variant.
Coding change: c.743C>T on transcript NM_021614.4 (MANE Select); coding-DNA position 743, C replaced by T.
Protein change: p.Pro248Leu; replaces proline 248 with leucine.
Molecular consequence: missense variant. On other transcripts: non-coding transcript variant (1).
Genome position (GRCh38, 1-based): chr5:114,362,882, C>T. VCF-style: chr5-114362882-C-T. GRCh37 (hg19) VCF-style: chr5-113698579-C-T.
Other names: c.107C>T (NM_021614.2); c.941C>T, p.Pro314Leu (NM_001372233.1); short protein forms P248L, P314L.
Identifiers: ClinVar variation 2655645 (VCV002655645.25), dbSNP rs750469115, ClinGen allele CA3372773.